The following is an entry in ClinVar:

ClinVar aggregate classification (germline): Uncertain significance. Review status: criteria provided, multiple submitters, no conflicts (2 of 4 stars). 2 submissions from 2 submitters: Uncertain significance (2). Last evaluated 2025-02-01.

Conditions:
Inborn genetic diseases. Identifiers: MedGen C0950123, MeSH D030342.

Allele frequency attached by ClinVar (database versions not stated): TOPMed below 0.00001; gnomAD 0.00001; gnomAD exomes 0.00001.
gnomAD v4.1: 19 of 1,614,018 alleles (0.0012%); highest among the groups gnomAD compares: Non-Finnish European, 0.0014%; no homozygotes.

Submissions (2):

Ambry Genetics
Classification: Uncertain significance for Inborn genetic diseases. Last evaluated: 2025-02-01. Review status: criteria provided, single submitter. Criteria: Ambry Variant Classification Scheme 2023. Collection method: clinical testing. Allele origin: germline.

Labcorp Genetics (formerly Invitae), Labcorp
Classification: Uncertain significance. Last evaluated: 2023-05-12. Review status: criteria provided, single submitter. Criteria: Invitae Variant Classification Sherloc (09022015). Collection method: clinical testing. Allele origin: germline.
Comment: In summary, the available evidence is currently insufficient to determine the role of this variant in disease. Therefore, it has been classified as a Variant of Uncertain Significance. An algorithm developed to predict the effect of missense changes on protein structure and function (PolyPhen-2) suggests that this variant¬† is likely to be tolerated. This variant has not been reported in the literature in individuals affected with GDF5-related conditions. This variant is not present in population databases (gnomAD no frequency). This sequence change replaces glycine, which is neutral and non-polar, with serine, which is neutral and polar, at codon 131 of the GDF5 protein (p.Gly131Ser).

NM_000557.5(GDF5):c.391G>A (p.Gly131Ser)

Gene: GDF5 (growth differentiation factor 5; minus strand). Cytogenetic location: 20q11.22.
Variant type: single nucleotide variant.
Coding change: c.391G>A on transcript NM_000557.5 (MANE Select); coding-DNA position 391, G replaced by A.
Protein change: p.Gly131Ser; replaces glycine 131 with serine.
Molecular consequence: missense variant.
Genome position (GRCh38, 1-based): chr20:35,437,538, C>T on the plus strand (G>A on the coding strand, the complement: GDF5 is on the minus strand). VCF-style: chr20-35437538-C-T. GRCh37 (hg19) VCF-style: chr20-34025318-C-T.
Other names: c.391G>A, p.Gly131Ser (NM_001319138.2); c.391G>A (NM_000557.2); short protein forms G131S.
Identifiers: ClinVar variation 2916230 (VCV002916230.2), dbSNP rs2062478356, ClinGen allele CA408743825.